The following is an entry in ClinVar:

NM_001134363.3(RBM20):c.2395_2396delinsTT (p.Asp799Phe)

Gene: RBM20 (RNA binding motif protein 20; plus strand). Cytogenetic location: 10q25.2.
Variant type: Indel.
Coding change: c.2395_2396delinsTT on transcript NM_001134363.3 (MANE Select); coding-DNA positions 2395 to 2396, GA replaced by TT.
Protein change: p.Asp799Phe; replaces aspartic acid 799 with phenylalanine.
Molecular consequence: missense variant.
Genome position (GRCh38, 1-based): chr10:110,812,792-110,812,793, GA replaced by TT. VCF-style: chr10-110812792-GA-TT. GRCh37 (hg19) VCF-style: chr10-112572550-GA-TT.
Other names: short protein forms D799F.
Identifiers: ClinVar variation 3233204 (VCV003233204.1), dbSNP rs2493475766, ClinGen allele CA2825001682.

ClinVar aggregate classification (germline): Uncertain significance (1 of 4 stars; one submission).

Conditions:
Cardiovascular phenotype. Identifiers: MedGen CN230736.

Submission:

Ambry Genetics
Classification: Uncertain significance for Cardiovascular phenotype. Last evaluated: 2023-01-12. Review status: criteria provided, single submitter. Criteria: Ambry Variant Classification Scheme 2023. Collection method: clinical testing. Allele origin: germline.
Comment: The c.2395_2396delGAinsTT variant (also known as p.D799F), located in coding exon 9 of the RBM20 gene, results from an in-frame deletion of GA and insertion of TT at nucleotide positions 2395 to 2396. This results in the substitution of the aspartic acid residue for a phenylalanine residue at codon 799, an amino acid with highly dissimilar properties. This amino acid position is poorly conserved in available vertebrate species. In addition, the in silico prediction for this alteration is inconclusive (Choi Y et al. PLoS ONE. 2012; 7(10):e46688). Since supporting evidence is limited at this time, the clinical significance of this alteration remains unclear.